The following is an entry in ClinVar:

ClinVar aggregate classification (germline): Pathogenic. Review status: criteria provided, single submitter (1 of 4 stars). 2 submissions from 2 submitters: Pathogenic (1). 1 of the submissions does not count toward it. Last evaluated 2025-03-25.

Conditions:
Fanconi anemia complementation group A (FANCA). Also called: Fanconi anemia, group A; FANCA-Related Fanconi Anemia. Identifiers: Orphanet 84, MedGen C3469521, MONDO:0009215, OMIM 227650.
Fanconi anemia (FA). Also called: Fanconi's anemia. Identifiers: Orphanet 84, MedGen C0015625, MeSH D005199, MONDO:0019391.

Submissions (2):

Natera, Inc.
Classification: Pathogenic for Fanconi anemia. Last evaluated: 2025-03-25. Review status: criteria provided, single submitter. Criteria: Natera Variant Classification Schema (03/2026). Collection method: clinical testing. Allele origin: germline.
Comment: The c.79+1G>C variant in FANCA is a canonical splice donor site variant predicted to affect pre-mRNA splicing, which may result in an abnormal transcript and altered protein product. This variant is expected to result in nonsense mediated decay, truncation, or a dysfunctional protein product. This variant is rare in the general population with a frequency below the threshold expected for the associated phenotype(s). This variant has been observed in one or more individuals affected with the associated recessive disease, as either homozygous or compound heterozygous with a second variant (PMID: 36894310, 37216690). Given the available evidence, this variant is classified as Pathogenic.

Counsyl
Classification: Likely pathogenic for Fanconi anemia complementation group A. Last evaluated: 2018-02-21. Review status: no assertion criteria provided. Collection method: clinical testing. Allele origin: unknown. Not counted in ClinVar's aggregate classification.

Literature cited by the submitters: PubMed 36894310 (cited by Natera, Inc.); PubMed 37216690 (cited by Natera, Inc.).

NM_000135.4(FANCA):c.79+1G>C

Genes: FANCA (FA complementation group A; minus strand), LOC112486223 (Sharpr-MPRA regulatory region 3988; plus strand). Cytogenetic location: 16q24.3.
Variant type: single nucleotide variant.
Coding change: c.79+1G>C on transcript NM_000135.4 (MANE Select); the canonical splice donor site of the intron after coding-DNA position 79, G replaced by C.
Molecular consequence: splice donor variant.
Genome position (GRCh38, 1-based): chr16:89,816,536, C>G on the plus strand (G>C on the coding strand, the complement: FANCA is on the minus strand). VCF-style: chr16-89816536-C-G. GRCh37 (hg19) VCF-style: chr16-89882944-C-G.
Other names: c.79+1G>C (NM_000135.3, NM_001286167.3, NM_001351830.2 and 1 more transcripts).
Identifiers: ClinVar variation 556849 (VCV000556849.3), dbSNP rs1483028018, ClinGen allele CA397484370.